The following is an entry in ClinVar:

ClinVar aggregate classification (germline): Uncertain significance. Review status: criteria provided, multiple submitters, no conflicts (2 of 4 stars). 2 submissions from 2 submitters: Uncertain significance (2). Last evaluated 2022-10-17.

Allele frequency attached by ClinVar (database versions not stated): ExAC 0.00001; gnomAD 0.00001; gnomAD exomes 0.00001; TOPMed 0.00001.
gnomAD v4.1: 74 of 1,612,508 alleles (0.0046%); highest among the groups gnomAD compares: Non-Finnish European, 0.006%; no homozygotes.

Submissions (2):

Labcorp Genetics (formerly Invitae), Labcorp
Classification: Uncertain significance. Last evaluated: 2022-10-17. Review status: criteria provided, single submitter. Criteria: Invitae Variant Classification Sherloc (09022015). Collection method: clinical testing. Allele origin: germline.
Comment: In summary, the available evidence is currently insufficient to determine the role of this variant in disease. Therefore, it has been classified as a Variant of Uncertain Significance. Advanced modeling of protein sequence and biophysical properties (such as structural, functional, and spatial information, amino acid conservation, physicochemical variation, residue mobility, and thermodynamic stability) performed at Invitae indicates that this missense variant is not expected to disrupt GRM6 protein function. ClinVar contains an entry for this variant (Variation ID: 955098). This variant has not been reported in the literature in individuals affected with GRM6-related conditions. This variant is present in population databases (rs555037586, gnomAD 0.002%). This sequence change replaces isoleucine, which is neutral and non-polar, with phenylalanine, which is neutral and non-polar, at codon 597 of the GRM6 protein (p.Ile597Phe).

Blueprint Genetics
Classification: Uncertain significance. Last evaluated: 2022-05-23. Review status: criteria provided, single submitter. Criteria: ACMG Guidelines, 2015. Collection method: clinical testing. Allele origin: germline.

NM_000843.4(GRM6):c.1789A>T (p.Ile597Phe)

Genes: GRM6 (glutamate metabotropic receptor 6; minus strand), ZNF454 (zinc finger protein 454; plus strand). Cytogenetic location: 5q35.3.
Variant type: single nucleotide variant.
Coding change: c.1789A>T on transcript NM_000843.4 (MANE Select); coding-DNA position 1789, A replaced by T.
Protein change: p.Ile597Phe; replaces isoleucine 597 with phenylalanine.
Molecular consequence: missense variant.
Genome position (GRCh38, 1-based): chr5:178,986,465, T>A on the plus strand (A>T on the coding strand, the complement: GRM6 is on the minus strand). VCF-style: chr5-178986465-T-A. GRCh37 (hg19) VCF-style: chr5-178413466-T-A.
Other names: short protein forms I597F.
Identifiers: ClinVar variation 955098 (VCV000955098.8), dbSNP rs555037586, ClinGen allele CA3593932.